The following is an entry in ClinVar:

NM_005090.4(JMJD7-PLA2G4B):c.2994T>C (p.Ala998=)

Genes: JMJD7-PLA2G4B (JMJD7-PLA2G4B readthrough; plus strand), PLA2G4B (phospholipase A2 group IVB; plus strand). Cytogenetic location: 15q15.1.
Variant type: single nucleotide variant.
Coding change: c.2994T>C on transcript NM_005090.4; coding-DNA position 2994, T replaced by C.
Protein change: p.Ala998=; no amino-acid change (alanine 998 retained).
Molecular consequence: synonymous variant. On other transcripts: 3 prime UTR variant (1).
Genome position (GRCh38, 1-based): chr15:41,847,815, T>C. VCF-style: chr15-41847815-T-C. GRCh37 (hg19) VCF-style: chr15-42140013-T-C.
Other names: c.2301T>C, p.Ala767= (NM_001114633.2); c.*125T>C (NM_001198588.2).
Identifiers: ClinVar variation 3052076 (VCV003052076.2), dbSNP rs2065600398, ClinGen allele CA489993264.
Genomic context (GRCh38, chr15:41,847,815, plus strand): 5'-CAAGCTGCTGCACCTGACACATTACAATGTCTGCAACAACCAGGAGCAGCTGCTGGAGGC[T>C]CTGCGCCAGGCAGTGCAGCGGAGGCGGCAGCGCAGGCCCCACTGATGGCCGGGGCCCCTG-3'

ClinVar aggregate classification (germline): Likely benign (0 of 4 stars; one submission).

Conditions:
JMJD7-PLA2G4B-related disorder. Also called: JMJD7-PLA2G4B-related condition.

Allele frequency attached by ClinVar (database versions not stated): gnomAD exomes 0.00001.
gnomAD v4.1: 8 of 1,608,286 alleles (0.0005%); highest among the groups gnomAD compares: Non-Finnish European, 0.00042%; no homozygotes.

Submission:

PreventionGenetics, part of Exact Sciences
Classification: Likely benign for JMJD7-PLA2G4B-related condition. Last evaluated: 2019-03-20. Review status: no assertion criteria provided. Collection method: clinical testing. Allele origin: germline.
Comment: This variant is classified as likely benign based on ACMG/AMP sequence variant interpretation guidelines (Richards et al. 2015 PMID: 25741868, with internal and published modifications).